The following is an entry in ClinVar:

ClinVar aggregate classification (germline): Uncertain significance. Review status: criteria provided, multiple submitters, no conflicts (2 of 4 stars). 2 submissions from 2 submitters: Uncertain significance (2). Last evaluated 2025-02-18.

Conditions:
Pulmonary fibrosis and/or bone marrow failure, Telomere-related, 3. Also called: PULMONARY FIBROSIS AND/OR BONE MARROW FAILURE SYNDROME, TELOMERE-RELATED, 3. Identifiers: Orphanet 2032, MedGen C4225346, MONDO:0014613, OMIM 616373.
Dyskeratosis congenita, autosomal recessive 5 (DKCB5). Identifiers: MedGen C3554656, MONDO:0014076, OMIM 615190.
Inborn genetic diseases. Identifiers: MedGen C0950123, MeSH D030342.

Submissions (2):

Labcorp Genetics (formerly Invitae), Labcorp
Classification: Uncertain significance for Dyskeratosis congenita, autosomal recessive 5; Pulmonary fibrosis and/or bone marrow failure, Telomere-related, 3. Last evaluated: 2025-02-18. Review status: criteria provided, single submitter. Criteria: Invitae Variant Classification Sherloc (09022015). Collection method: clinical testing. Allele origin: germline.
Comment: This sequence change replaces glutamine, which is neutral and polar, with leucine, which is neutral and non-polar, at codon 1126 of the RTEL1 protein (p.Gln1126Leu). This variant is not present in population databases (gnomAD no frequency). This variant has not been reported in the literature in individuals affected with RTEL1-related conditions. An algorithm developed to predict the effect of missense changes on protein structure and function outputs the following: PolyPhen-2: "Benign". The leucine amino acid residue is found in multiple mammalian species, which suggests that this missense change does not adversely affect protein function. In summary, the available evidence is currently insufficient to determine the role of this variant in disease. Therefore, it has been classified as a Variant of Uncertain Significance.

Ambry Genetics
Classification: Uncertain significance for Inborn genetic diseases. Last evaluated: 2024-12-31. Review status: criteria provided, single submitter. Criteria: Ambry Variant Classification Scheme 2023. Collection method: clinical testing. Allele origin: germline.
Comment: The p.Q1126L variant (also known as c.3377A>T), located in coding exon 32 of the RTEL1 gene, results from an A to T substitution at nucleotide position 3377. The glutamine at codon 1126 is replaced by leucine, an amino acid with dissimilar properties. This amino acid position is conserved. In addition, this alteration is predicted to be tolerated by in silico analysis. Based on the available evidence, the clinical significance of this variant remains unclear.

NM_001283009.2(RTEL1):c.3377A>T (p.Gln1126Leu)

Genes: RTEL1 (regulator of telomere elongation helicase 1; plus strand), RTEL1-TNFRSF6B (RTEL1-TNFRSF6B readthrough (NMD candidate); plus strand). Cytogenetic location: 20q13.33.
Variant type: single nucleotide variant.
Coding change: c.3377A>T on transcript NM_001283009.2 (MANE Select); coding-DNA position 3377, A replaced by T.
Protein change: p.Gln1126Leu; replaces glutamine 1126 with leucine.
Molecular consequence: missense variant. On other transcripts: non-coding transcript variant (1).
Genome position (GRCh38, 1-based): chr20:63,695,099, A>T. VCF-style: chr20-63695099-A-T. GRCh37 (hg19) VCF-style: chr20-62326452-A-T.
Other names: c.2708A>T, p.Gln903Leu (NM_001283010.1); c.3377A>T, p.Gln1126Leu (NM_016434.4); c.3449A>T, p.Gln1150Leu (NM_032957.5); short protein forms Q1126L, Q1150L, Q903L.
Identifiers: ClinVar variation 3761358 (VCV003761358.3).